The following is an entry in ClinVar:

NM_000642.3(AGL):c.595C>T (p.Gln199Ter)

Gene: AGL (amylo-alpha-1,6-glucosidase and 4-alpha-glucanotransferase; plus strand). Cytogenetic location: 1p21.2.
Variant type: single nucleotide variant.
Coding change: c.595C>T on transcript NM_000642.3 (MANE Select); coding-DNA position 595, C replaced by T.
Protein change: p.Gln199Ter; replaces glutamine 199 with a stop codon.
Molecular consequence: nonsense.
Genome position (GRCh38, 1-based): chr1:99,864,520, C>T. VCF-style: chr1-99864520-C-T. GRCh37 (hg19) VCF-style: chr1-100330076-C-T.
Other names: p.Gln199*; c.595C>T, p.Gln199Ter (NM_000028.3, NM_000643.3, NM_000644.3 and 3 more transcripts); c.547C>T, p.Gln183Ter (NM_000646.3); c.217C>T, p.Gln73Ter (NM_001425332.1); short protein forms Q183*, Q199*, Q73*.
Identifiers: ClinVar variation 862529 (VCV000862529.21), dbSNP rs780694207, ClinGen allele CA966212.
Genomic context (GRCh38, chr1:99,864,520, plus strand): 5'-TTAGAATTAAATCCTGACTTTTCAAGACCTAATAGAAAGTATACCTGGAATGATGTTGGA[C>T]AGCTAGTGGAAAAATTAAAAAAGGAATGGAATGTTATTTGTATTACTGATGTTGTCTACA-3'

ClinVar aggregate classification (germline): Pathogenic. Review status: criteria provided, multiple submitters, no conflicts (2 of 4 stars). 7 submissions from 7 submitters: Pathogenic (7). Last evaluated 2025-09-15.

Conditions:
Glycogen storage disease type III (GSD3). Also called: Cori disease; FORBES DISEASE. Identifiers: Orphanet 366, MedGen C0017922, MONDO:0009291, OMIM 232400.

Allele frequency attached by ClinVar (database versions not stated): TOPMed below 0.00001; gnomAD exomes 0.00001; ExAC 0.00002.
gnomAD v4.1: 16 of 1,613,728 alleles (0.00099%); highest among the groups gnomAD compares: Non-Finnish European, 0.0013%; no homozygotes.

Submissions (7):

Labcorp Genetics (formerly Invitae), Labcorp
Classification: Pathogenic for Glycogen storage disease type III. Last evaluated: 2025-09-15. Review status: criteria provided, single submitter. Criteria: Invitae Variant Classification Sherloc (09022015). Collection method: clinical testing. Allele origin: germline.
Comment: This sequence change creates a premature translational stop signal (p.Gln199*) in the AGL gene. It is expected to result in an absent or disrupted protein product. Loss-of-function variants in AGL are known to be pathogenic (PMID: 19299494). This variant is present in population databases (rs780694207, gnomAD 0.002%). This premature translational stop signal has been observed in individual(s) with glycogen storage disease (PMID: 26984562). ClinVar contains an entry for this variant (Variation ID: 862529). Algorithms developed to predict the effect of sequence changes on RNA splicing suggest that this variant may disrupt the consensus splice site. For these reasons, this variant has been classified as Pathogenic.

Mayo Clinic Laboratories, Mayo Clinic
Classification: Pathogenic. Last evaluated: 2025-08-15. Review status: criteria provided, single submitter. Criteria: ACMG Guidelines, 2015. Collection method: clinical testing. Allele origin: germline. Observed: 2 variant alleles.
Comment: PP4, PM2_moderate, PM3, PVS1

Natera, Inc.
Classification: Pathogenic for Glycogen storage disease type III. Last evaluated: 2025-05-14. Review status: criteria provided, single submitter. Criteria: Natera Variant Classification Schema (03/2026). Collection method: clinical testing. Allele origin: germline.
Comment: The c.595C>T variant in AGL is a nonsense variant predicted to introduce a stop codon at amino acid 199. This variant is expected to result in nonsense mediated decay, truncation, or a dysfunctional protein product. This variant is rare in the general population with a frequency below the threshold expected for the associated phenotype(s). This variant has been observed in one or more individuals affected with the associated recessive disease, as either homozygous or compound heterozygous with a second variant (PMID: 26984562). Given the available evidence, this variant is classified as Pathogenic.

Baylor Genetics
Classification: Pathogenic for Glycogen storage disease type III. Last evaluated: 2023-11-11. Review status: criteria provided, single submitter. Criteria: ACMG Guidelines, 2015. Collection method: clinical testing. Allele origin: unknown.

Genome-Nilou Lab
Classification: Pathogenic for Glycogen storage disease type III. Last evaluated: 2023-04-11. Review status: criteria provided, single submitter. Criteria: ACMG Guidelines, 2015. Collection method: clinical testing. Allele origin: germline. Affected: no.

Greenwood Genetic Center Diagnostic Laboratories, Greenwood Genetic Center
Classification: Pathogenic for Glycogen storage disease type III. Last evaluated: 2023-03-06. Review status: criteria provided, single submitter. Criteria: ACMG Guidelines, 2015. Collection method: clinical testing. Allele origin: germline. Affected: yes.
Comment: PVS1, PM2, PM3

Fulgent Genetics
Classification: Pathogenic for Glycogen storage disease type III. Last evaluated: 2022-03-02. Review status: criteria provided, single submitter. Criteria: ACMG Guidelines, 2015. Collection method: clinical testing. Allele origin: unknown.

Literature cited by the submitters: PubMed 19299494 (cited by Labcorp Genetics (formerly Invitae), Labcorp); PubMed 26984562 (cited by 3 submitters).